The following is an entry in ClinVar:

NM_003721.4(RFXANK):c.635G>A (p.Arg212Gln)

Gene: RFXANK (regulatory factor X associated ankyrin containing protein; plus strand). Cytogenetic location: 19p13.11.
Variant type: single nucleotide variant.
Coding change: c.635G>A on transcript NM_003721.4 (MANE Select); coding-DNA position 635, G replaced by A.
Protein change: p.Arg212Gln; replaces arginine 212 with glutamine.
Molecular consequence: missense variant.
Genome position (GRCh38, 1-based): chr19:19,199,157, G>A. VCF-style: chr19-19199157-G-A. GRCh37 (hg19) VCF-style: chr19-19309966-G-A.
Other names: c.569G>A, p.Arg190Gln (NM_001278727.2, NM_001370234.1); c.566G>A, p.Arg189Gln (NM_001278728.2, NM_134440.3); c.635G>A, p.Arg212Gln (NM_001370233.1, NM_001370238.1); c.632G>A, p.Arg211Gln (NM_001370235.1, NM_001370236.1, NM_001370237.1); short protein forms R212Q, R190Q, R211Q, R189Q.
Identifiers: ClinVar variation 328646 (VCV000328646.6), dbSNP rs757517948, ClinGen allele CA9322874.

ClinVar aggregate classification (germline): Uncertain significance. Review status: criteria provided, multiple submitters, no conflicts (2 of 4 stars). 2 submissions from 2 submitters: Uncertain significance (2). Last evaluated 2025-10-02.

Conditions:
MHC class II deficiency. Also called: Bare lymphocyte syndrome 2; BLS, TYPE II. Identifiers: Orphanet 572, MedGen C5447452, MONDO:0008855.

Allele frequency attached by ClinVar (database versions not stated): ExAC 0.00001; TOPMed 0.00002; gnomAD exomes 0.00001 and 0.00002.
gnomAD v4.1: 11 of 1,613,710 alleles (0.00068%); highest among the groups gnomAD compares: Admixed American, 0.0083%; no homozygotes.

Submissions (2):

Labcorp Genetics (formerly Invitae), Labcorp
Classification: Uncertain significance for MHC class II deficiency. Last evaluated: 2025-10-02. Review status: criteria provided, single submitter. Criteria: Invitae Variant Classification Sherloc (09022015). Collection method: clinical testing. Allele origin: germline.
Comment: This sequence change replaces arginine, which is basic and polar, with glutamine, which is neutral and polar, at codon 212 of the RFXANK protein (p.Arg212Gln). This variant is present in population databases (rs757517948, gnomAD 0.01%). This variant has not been reported in the literature in individuals affected with RFXANK-related conditions. ClinVar contains an entry for this variant (Variation ID: 328646). Invitae Evidence Modeling of protein sequence and biophysical properties (such as structural, functional, and spatial information, amino acid conservation, physicochemical variation, residue mobility, and thermodynamic stability) indicates that this missense variant is not expected to disrupt RFXANK protein function with a negative predictive value of 80%. In summary, the available evidence is currently insufficient to determine the role of this variant in disease. Therefore, it has been classified as a Variant of Uncertain Significance.

Illumina Laboratory Services, Illumina
Classification: Uncertain significance for MHC class II deficiency 1. Last evaluated: 2018-01-13. Review status: criteria provided, single submitter. Criteria: ICSL Variant Classification Criteria 13 December 2019. Collection method: clinical testing. Allele origin: germline.